The following is an entry in ClinVar:

NM_001372044.2(SHANK3):c.1080A>G (p.Thr360=)

Gene: SHANK3 (SH3 and multiple ankyrin repeat domains 3; plus strand). Cytogenetic location: 22q13.33.
Variant type: single nucleotide variant.
Coding change: c.1080A>G on transcript NM_001372044.2 (MANE Select); coding-DNA position 1080, A replaced by G.
Protein change: p.Thr360=; no amino-acid change (threonine 360 retained).
Molecular consequence: synonymous variant.
Genome position (GRCh38, 1-based): chr22:50,679,398, A>G. VCF-style: chr22-50679398-A-G. GRCh37 (hg19) VCF-style: chr22-51117826-A-G.
Other names: c.855A>G (NM_033517.1).
Identifiers: ClinVar variation 4978308 (VCV004978308.1).

ClinVar aggregate classification (germline): Likely benign (1 of 4 stars; one submission).

Conditions:
SHANK3-related disorder. Also called: SHANK3-related condition.

Submission:

PreventionGenetics, part of Exact Sciences
Classification: Likely benign for SHANK3-related condition. Last evaluated: 2024-12-23. Review status: criteria provided, single submitter. Criteria: ACMG Guidelines, 2015. Collection method: clinical testing. Allele origin: germline.
Comment: This variant is classified as likely benign based on ACMG/AMP sequence variant interpretation guidelines (Richards et al. 2015 PMID: 25741868, with internal and published modifications).